The following is an entry in ClinVar:

ClinVar aggregate classification (germline): Uncertain significance (1 of 4 stars; one submission).

Conditions:
Hereditary cancer-predisposing syndrome. Also called: Neoplastic Syndromes, Hereditary; Hereditary neoplastic syndrome; Tumor predisposition; Hereditary Cancer Syndrome. Identifiers: Orphanet 140162, MedGen C0027672, MeSH D009386, MONDO:0015356.

Allele frequency attached by ClinVar (database versions not stated): TOPMed below 0.00001.

Submission:

Ambry Genetics
Classification: Uncertain significance for Hereditary cancer-predisposing syndrome. Last evaluated: 2022-12-18. Review status: criteria provided, single submitter. Criteria: Ambry Variant Classification Scheme 2023. Collection method: clinical testing. Allele origin: germline.
Comment: The p.A69T variant (also known as c.205G>A), located in coding exon 1 of the AXIN2 gene, results from a G to A substitution at nucleotide position 205. The alanine at codon 69 is replaced by threonine, an amino acid with similar properties. This amino acid position is conserved. In addition, the in silico prediction for this alteration is inconclusive. Since supporting evidence is limited at this time, the clinical significance of this alteration remains unclear.

NM_004655.4(AXIN2):c.205G>A (p.Ala69Thr)

Gene: AXIN2 (axin 2; minus strand). Cytogenetic location: 17q24.1.
Variant type: single nucleotide variant.
Coding change: c.205G>A on transcript NM_004655.4 (MANE Select); coding-DNA position 205, G replaced by A.
Protein change: p.Ala69Thr; replaces alanine 69 with threonine.
Molecular consequence: missense variant.
Genome position (GRCh38, 1-based): chr17:65,558,416, C>T on the plus strand (G>A on the coding strand, the complement: AXIN2 is on the minus strand). VCF-style: chr17-65558416-C-T. GRCh37 (hg19) VCF-style: chr17-63554534-C-T.
Other names: c.205G>A, p.Ala69Thr (NM_001363813.1); short protein forms A69T.
Identifiers: ClinVar variation 2471329 (VCV002471329.2), dbSNP rs2044307370, ClinGen allele CA400681902.
Genomic context (GRCh38, chr17:65,558,416, plus strand): 5'-GATCGCCCAATAAGGAGTGTAAGGACTTGGTCCACCGGGTCAGAGGGGAATCCGGAGATG[C>T]CCGCCCCTCCGGCTCCCCCAACCCATCTTCGTTCCGCCTGGTGTTGGAAGAGACAGGCAT-3'
Protein context (NP_004646.3, residues 59-79): EDGLGEPEGR[Ala69Thr]SPDSPLTRWT